The following is an entry in ClinVar:

NM_000260.4(MYO7A):c.2815C>T (p.His939Tyr)

Gene: MYO7A (myosin VIIA; plus strand). Cytogenetic location: 11q13.5.
Variant type: single nucleotide variant.
Coding change: c.2815C>T on transcript NM_000260.4 (MANE Select); coding-DNA position 2815, C replaced by T.
Protein change: p.His939Tyr; replaces histidine 939 with tyrosine.
Molecular consequence: missense variant.
Genome position (GRCh38, 1-based): chr11:77,181,500, C>T. VCF-style: chr11-77181500-C-T. GRCh37 (hg19) VCF-style: chr11-76892546-C-T.
Other names: c.2815C>T, p.His939Tyr (NM_001127180.2); c.2782C>T, p.His928Tyr (NM_001369365.1); short protein forms H928Y, H939Y.
Identifiers: ClinVar variation 1396994 (VCV001396994.3), dbSNP rs1338622024, ClinGen allele CA381943007.

ClinVar aggregate classification (germline): Uncertain significance (1 of 4 stars; one submission).

Allele frequency attached by ClinVar (database versions not stated): gnomAD 0.00001; TOPMed 0.00001.
gnomAD v4.1: 2 of 1,613,370 alleles (0.00012%); highest among the groups gnomAD compares: Admixed American, 0.0017%; no homozygotes.

Submission:

Labcorp Genetics (formerly Invitae), Labcorp
Classification: Uncertain significance. Last evaluated: 2021-11-19. Review status: criteria provided, single submitter. Criteria: Invitae Variant Classification Sherloc (09022015). Collection method: clinical testing. Allele origin: germline.
Comment: This sequence change replaces histidine, which is basic and polar, with tyrosine, which is neutral and polar, at codon 939 of the MYO7A protein (p.His939Tyr). This variant is not present in population databases (gnomAD no frequency). This variant has not been reported in the literature in individuals affected with MYO7A-related conditions. Advanced modeling of protein sequence and biophysical properties (such as structural, functional, and spatial information, amino acid conservation, physicochemical variation, residue mobility, and thermodynamic stability) performed at Invitae indicates that this missense variant is not expected to disrupt MYO7A protein function. In summary, the available evidence is currently insufficient to determine the role of this variant in disease. Therefore, it has been classified as a Variant of Uncertain Significance.